The following is an entry in ClinVar:

NM_001164508.2(NEB):c.6392A>T (p.Asn2131Ile)

Gene: NEB (nebulin; minus strand). Cytogenetic location: 2q23.3.
Variant type: single nucleotide variant.
Coding change: c.6392A>T on transcript NM_001164508.2 (MANE Select); coding-DNA position 6392, A replaced by T.
Protein change: p.Asn2131Ile; replaces asparagine 2131 with isoleucine.
Molecular consequence: missense variant.
Genome position (GRCh38, 1-based): chr2:151,656,256, T>A on the plus strand (A>T on the coding strand, the complement: NEB is on the minus strand). VCF-style: chr2-151656256-T-A. GRCh37 (hg19) VCF-style: chr2-152512770-T-A.
Other names: c.6392A>T, p.Asn2131Ile (NM_001164507.2, NM_001271208.2, NM_004543.5); c.6392A>T (NM_004543.4); short protein forms N2131I.
Identifiers: ClinVar variation 569089 (VCV000569089.15), dbSNP rs781202038, ClinGen allele CA1910109.

ClinVar aggregate classification (germline): Conflicting classifications of pathogenicity. Review status: criteria provided, conflicting classifications (1 of 4 stars). 3 submissions from 3 submitters: Uncertain significance (1); Likely benign (1). 1 of the submissions does not count toward it. Last evaluated 2026-03-26.

Conditions:
Inborn genetic diseases. Identifiers: MedGen C0950123, MeSH D030342.
Nemaline myopathy 2 (NEM2). Also called: Nemaline myopathy 2, autosomal recessive. Identifiers: MedGen C1850569, MONDO:0009725, OMIM 256030.

Allele frequency attached by ClinVar (database versions not stated): gnomAD exomes below 0.00001 and 0.00001; TOPMed 0.00002; ExAC 0.00002; gnomAD 0.00002.
gnomAD v4.1: 7 of 1,613,470 alleles (0.00043%); highest among the groups gnomAD compares: Admixed American, 0.0067%; no homozygotes.

Submissions (3):

Ambry Genetics
Classification: Uncertain significance for Inborn genetic diseases. Last evaluated: 2026-03-26. Review status: criteria provided, single submitter. Criteria: Ambry Variant Classification Scheme 2023. Collection method: clinical testing. Allele origin: germline.
Comment: The c.6392A>T (p.N2131I) alteration is located in exon 49 (coding exon 47) of the NEB gene. This alteration results from a A to T substitution at nucleotide position 6392, causing the asparagine (N) at amino acid position 2131 to be replaced by an isoleucine (I). Based on data from gnomAD, the T allele has an overall frequency of 0.001% (2/248724) total alleles studied. The highest observed frequency was 0.007% (1/15484) of African alleles. Based on insufficient or conflicting evidence, the clinical significance of this alteration remains unclear.

Labcorp Genetics (formerly Invitae), Labcorp
Classification: Likely benign for Nemaline myopathy 2. Last evaluated: 2024-12-25. Review status: criteria provided, single submitter. Criteria: Invitae Variant Classification Sherloc (09022015). Collection method: clinical testing. Allele origin: germline.

Natera, Inc.
Classification: Uncertain significance for Nemaline myopathy type 2. Last evaluated: 2019-11-11. Review status: no assertion criteria provided. Collection method: clinical testing. Allele origin: germline. Not counted in ClinVar's aggregate classification.